The following is an entry in ClinVar:

NM_014241.4(HACD1):c.385T>G (p.Cys129Gly)

Gene: HACD1 (3-hydroxyacyl-CoA dehydratase 1; minus strand). Cytogenetic location: 10p12.33.
Variant type: single nucleotide variant.
Coding change: c.385T>G on transcript NM_014241.4 (MANE Select); coding-DNA position 385, T replaced by G.
Protein change: p.Cys129Gly; replaces cysteine 129 with glycine.
Molecular consequence: missense variant.
Genome position (GRCh38, 1-based): chr10:17,603,735, A>C on the plus strand (T>G on the coding strand, the complement: HACD1 is on the minus strand). VCF-style: chr10-17603735-A-C. GRCh37 (hg19) VCF-style: chr10-17645734-A-C.
Other names: short protein forms C129G.
Identifiers: ClinVar variation 1960717 (VCV001960717.2), dbSNP rs980928051, ClinGen allele CA203677230.

ClinVar aggregate classification (germline): Uncertain significance (1 of 4 stars; one submission).

Submission:

Labcorp Genetics (formerly Invitae), Labcorp
Classification: Uncertain significance. Last evaluated: 2022-05-21. Review status: criteria provided, single submitter. Criteria: Invitae Variant Classification Sherloc (09022015). Collection method: clinical testing. Allele origin: germline.
Comment: This sequence change replaces cysteine, which is neutral and slightly polar, with glycine, which is neutral and non-polar, at codon 129 of the HACD1 protein (p.Cys129Gly). This variant is not present in population databases (gnomAD no frequency). This variant has not been reported in the literature in individuals affected with HACD1-related conditions. Algorithms developed to predict the effect of missense changes on protein structure and function are either unavailable or do not agree on the potential impact of this missense change (SIFT: "Tolerated"; PolyPhen-2: "Probably Damaging"; Align-GVGD: "Class C0"). Algorithms developed to predict the effect of sequence changes on RNA splicing suggest that this variant may create or strengthen a splice site. In summary, the available evidence is currently insufficient to determine the role of this variant in disease. Therefore, it has been classified as a Variant of Uncertain Significance.